The following is an entry in ClinVar:

ClinVar aggregate classification (germline): Likely benign (1 of 4 stars; one submission).

Allele frequency attached by ClinVar (database versions not stated): gnomAD 0.00002; TOPMed 0.00003; ExAC 0.00006; ESP Exome Variant Server 0.00008; 1000 Genomes Project 30x 0.00016; 1000 Genomes Project 0.00020.
gnomAD v4.1: 46 of 1,614,132 alleles (0.0028%); highest among the groups gnomAD compares: East Asian, 0.0089%; no homozygotes.

Submission:

CeGaT Center for Human Genetics Tuebingen
Classification: Likely benign. Last evaluated: 2023-02-01. Review status: criteria provided, single submitter. Criteria: CeGaT Center For Human Genetics Tuebingen Variant Classification Criteria Version 2. Collection method: clinical testing. Allele origin: germline. Affected: yes. Observed: 1 variant allele.
Comment: IGF2R: BP4, BP7

NM_000876.4(IGF2R):c.726G>A (p.Ala242=)

Gene: IGF2R (insulin like growth factor 2 receptor; plus strand). Cytogenetic location: 6q25.3.
Variant type: single nucleotide variant.
Coding change: c.726G>A on transcript NM_000876.4 (MANE Select); coding-DNA position 726, G replaced by A.
Protein change: p.Ala242=; no amino-acid change (alanine 242 retained).
Molecular consequence: synonymous variant.
Genome position (GRCh38, 1-based): chr6:160,027,264, G>A. VCF-style: chr6-160027264-G-A. GRCh37 (hg19) VCF-style: chr6-160448296-G-A.
Identifiers: ClinVar variation 2657099 (VCV002657099.24), dbSNP rs368140638, ClinGen allele CA4081388.